The following is an entry in ClinVar:

ClinVar aggregate classification (germline): Uncertain significance (1 of 4 stars; one submission).

Conditions:
Cardiovascular phenotype. Identifiers: MedGen CN230736.

Submission:

Ambry Genetics
Classification: Uncertain significance for Cardiovascular phenotype. Last evaluated: 2025-04-05. Review status: criteria provided, single submitter. Criteria: Ambry Variant Classification Scheme 2023. Collection method: clinical testing. Allele origin: germline.
Comment: The p.S453P variant (also known as c.1357T>C), located in coding exon 13 of the CACNB2 gene, results from a T to C substitution at nucleotide position 1357. The serine at codon 453 is replaced by proline, an amino acid with similar properties. This amino acid position is conserved. In addition, this alteration is predicted to be tolerated by in silico analysis. Since supporting evidence is limited at this time, the clinical significance of this alteration remains unclear.

NM_201596.3(CACNB2):c.1519T>C (p.Ser507Pro)

Gene: CACNB2 (calcium voltage-gated channel auxiliary subunit beta 2; plus strand). Cytogenetic location: 10p12.31.
Variant type: single nucleotide variant.
Coding change: c.1519T>C on transcript NM_201596.3 (MANE Select); coding-DNA position 1519, T replaced by C.
Protein change: p.Ser507Pro; replaces serine 507 with proline.
Molecular consequence: missense variant.
Genome position (GRCh38, 1-based): chr10:18,539,260, T>C. VCF-style: chr10-18539260-T-C. GRCh37 (hg19) VCF-style: chr10-18828189-T-C.
Other names: c.1354T>C, p.Ser452Pro (NM_000724.4); c.1321T>C, p.Ser441Pro (NM_001167945.2); c.1240T>C, p.Ser414Pro (NM_001330060.2); c.1261T>C, p.Ser421Pro (NM_001410882.1); c.1375T>C, p.Ser459Pro (NM_201570.3); c.1435T>C, p.Ser479Pro (NM_201571.4); c.1363T>C, p.Ser455Pro (NM_201572.4); c.1357T>C, p.Ser453Pro (NM_201590.3); and 2 more; short protein forms S421P, S441P, S453P, S469P, S459P, S479P, S483P, S414P.
Identifiers: ClinVar variation 1770731 (VCV001770731.3), dbSNP rs2494906725, ClinGen allele CA376071166.